The following is an entry in ClinVar:

ClinVar aggregate classification (germline): Uncertain significance. Review status: criteria provided, multiple submitters, no conflicts (2 of 4 stars). 3 submissions from 3 submitters: Uncertain significance (3). Last evaluated 2024-01-29.

Conditions:
Inborn genetic diseases. Identifiers: MedGen C0950123, MeSH D030342.

Allele frequency attached by ClinVar (database versions not stated): ExAC 0.00001; gnomAD exomes 0.00002 and 0.00003; TOPMed 0.00005; gnomAD 0.00007 and 0.00008.
gnomAD v4.1: 52 of 1,613,832 alleles (0.0032%); highest among the groups gnomAD compares: African/African-American, 0.016%; no homozygotes.

Submissions (3):

Labcorp Genetics (formerly Invitae), Labcorp
Classification: Uncertain significance. Last evaluated: 2024-01-29. Review status: criteria provided, single submitter. Criteria: Invitae Variant Classification Sherloc (09022015). Collection method: clinical testing. Allele origin: germline.
Comment: This sequence change replaces threonine, which is neutral and polar, with alanine, which is neutral and non-polar, at codon 734 of the KIAA1549 protein (p.Thr734Ala). This variant is present in population databases (rs370735796, gnomAD 0.008%). This missense change has been observed in individual(s) with retinitis pigmentosa (Invitae). ClinVar contains an entry for this variant (Variation ID: 1044856). Algorithms developed to predict the effect of missense changes on protein structure and function output the following: SIFT: "Not Available"; PolyPhen-2: "Benign"; Align-GVGD: "Not Available". The alanine amino acid residue is found in multiple mammalian species, which suggests that this missense change does not adversely affect protein function. In summary, the available evidence is currently insufficient to determine the role of this variant in disease. Therefore, it has been classified as a Variant of Uncertain Significance.

Ambry Genetics
Classification: Uncertain significance for Inborn genetic diseases. Last evaluated: 2021-12-07. Review status: criteria provided, single submitter. Criteria: Ambry Variant Classification Scheme 2023. Collection method: clinical testing. Allele origin: germline.

Blueprint Genetics
Classification: Uncertain significance. Last evaluated: 2020-02-19. Review status: criteria provided, single submitter. Criteria: ACMG Guidelines, 2015. Collection method: clinical testing. Allele origin: germline.

NM_001164665.2(KIAA1549):c.2200A>G (p.Thr734Ala)

Gene: KIAA1549 (KIAA1549; minus strand). Cytogenetic location: 7q34.
Variant type: single nucleotide variant.
Coding change: c.2200A>G on transcript NM_001164665.2 (MANE Select); coding-DNA position 2200, A replaced by G.
Protein change: p.Thr734Ala; replaces threonine 734 with alanine.
Molecular consequence: missense variant.
Genome position (GRCh38, 1-based): chr7:138,917,426, T>C on the plus strand (A>G on the coding strand, the complement: KIAA1549 is on the minus strand). VCF-style: chr7-138917426-T-C. GRCh37 (hg19) VCF-style: chr7-138602172-T-C.
Other names: c.2200A>G, p.Thr734Ala (NM_020910.3); c.2200A>G (NM_001164665.1); short protein forms T734A.
Identifiers: ClinVar variation 1044856 (VCV001044856.6), dbSNP rs370735796, ClinGen allele CA4506553.